The following is an entry in ClinVar:

ClinVar aggregate classification (germline): Uncertain significance (1 of 4 stars; one submission).

Allele frequency attached by ClinVar (database versions not stated): gnomAD exomes below 0.00001; gnomAD 0.00001; TOPMed 0.00001.
gnomAD v4.1: 3 of 1,613,896 alleles (0.00019%); highest among the groups gnomAD compares: Non-Finnish European, 0.00025%; no homozygotes.

Submission:

Labcorp Genetics (formerly Invitae), Labcorp
Classification: Uncertain significance. Last evaluated: 2022-03-10. Review status: criteria provided, single submitter. Criteria: Invitae Variant Classification Sherloc (09022015). Collection method: clinical testing. Allele origin: germline.
Comment: This variant is not present in population databases (gnomAD no frequency). This variant has not been reported in the literature in individuals affected with MERTK-related conditions. ClinVar contains an entry for this variant (Variation ID: 1018510). Algorithms developed to predict the effect of missense changes on protein structure and function are either unavailable or do not agree on the potential impact of this missense change (SIFT: "Deleterious"; PolyPhen-2: "Probably Damaging"; Align-GVGD: "Class C0"). Algorithms developed to predict the effect of sequence changes on RNA splicing suggest that this variant may disrupt the consensus splice site. In summary, the available evidence is currently insufficient to determine the role of this variant in disease. Therefore, it has been classified as a Variant of Uncertain Significance. This sequence change replaces methionine, which is neutral and non-polar, with isoleucine, which is neutral and non-polar, at codon 711 of the MERTK protein (p.Met711Ile).

NM_006343.3(MERTK):c.2133G>A (p.Met711Ile)

Gene: MERTK (MER proto-oncogene, tyrosine kinase; plus strand). Cytogenetic location: 2q13.
Variant type: single nucleotide variant.
Coding change: c.2133G>A on transcript NM_006343.3 (MANE Select); coding-DNA position 2133, G replaced by A.
Protein change: p.Met711Ile; replaces methionine 711 with isoleucine.
Molecular consequence: missense variant.
Genome position (GRCh38, 1-based): chr2:112,019,466, G>A. VCF-style: chr2-112019466-G-A. GRCh37 (hg19) VCF-style: chr2-112777043-G-A.
Other names: short protein forms M711I.
Identifiers: ClinVar variation 1018510 (VCV001018510.8), dbSNP rs1326352012, ClinGen allele CA348236680.